The following is an entry in ClinVar:

NM_001429.4(EP300):c.6274T>G (p.Tyr2092Asp)

Gene: EP300 (EP300 lysine acetyltransferase; plus strand). Cytogenetic location: 22q13.2.
Variant type: single nucleotide variant.
Coding change: c.6274T>G on transcript NM_001429.4 (MANE Select); coding-DNA position 6274, T replaced by G.
Protein change: p.Tyr2092Asp; replaces tyrosine 2092 with aspartic acid.
Molecular consequence: missense variant.
Genome position (GRCh38, 1-based): chr22:41,177,985, T>G. VCF-style: chr22-41177985-T-G. GRCh37 (hg19) VCF-style: chr22-41573989-T-G.
Other names: c.6196T>G, p.Tyr2066Asp (NM_001362843.2); short protein forms Y2066D, Y2092D.
Identifiers: ClinVar variation 1306173 (VCV001306173.3), dbSNP rs2059212476, ClinGen allele CA411681417.

ClinVar aggregate classification (germline): Uncertain significance. Review status: criteria provided, multiple submitters, no conflicts (2 of 4 stars). 2 submissions from 2 submitters: Uncertain significance (2). Last evaluated 2025-07-22.

Conditions:
EP300-related disorder. Also called: EP300-related condition; EP300-related disorders.

Allele frequency attached by ClinVar (database versions not stated): gnomAD exomes below 0.00001.

Submissions (2):

PreventionGenetics, part of Exact Sciences
Classification: Uncertain significance for EP300-related condition. Last evaluated: 2025-07-22. Review status: criteria provided, single submitter. Criteria: ACMG Guidelines, 2015. Collection method: clinical testing. Allele origin: germline.
Comment: The EP300 c.6274T>G variant is predicted to result in the amino acid substitution p.Tyr2092Asp. To our knowledge, this variant has not been reported in the literature or in a large population database, indicating this variant is rare. At this time, the clinical significance of this variant is uncertain due to the absence of conclusive functional and genetic evidence.

GeneDx
Classification: Uncertain significance. Last evaluated: 2019-06-03. Review status: criteria provided, single submitter. Criteria: GeneDx Variant Classification Process June 2021. Collection method: clinical testing. Allele origin: germline. Affected: yes.
Comment: Not observed in large population cohorts (Lek et al., 2016); In silico analysis, which includes protein predictors and evolutionary conservation, supports a deleterious effect; Has not been previously published as pathogenic or benign to our knowledge